The following is an entry in ClinVar:

ClinVar aggregate classification (germline): Likely benign (0 of 4 stars; one submission).

Conditions:
ATP6V0A2-related disorder. Also called: ATP6V0A2-related condition.

gnomAD v4.1: 2 of 1,614,138 alleles (0.00012%); highest among the groups gnomAD compares: Non-Finnish European, 0.00017%; no homozygotes.

Submission:

PreventionGenetics, part of Exact Sciences
Classification: Likely benign for ATP6V0A2-related condition. Last evaluated: 2021-05-05. Review status: no assertion criteria provided. Collection method: clinical testing. Allele origin: germline.
Comment: This variant is classified as likely benign based on ACMG/AMP sequence variant interpretation guidelines (Richards et al. 2015 PMID: 25741868, with internal and published modifications).

NM_012463.4(ATP6V0A2):c.1281G>A (p.Leu427=)

Gene: ATP6V0A2 (ATPase H+ transporting V0 subunit a2; plus strand). Cytogenetic location: 12q24.31.
Variant type: single nucleotide variant.
Coding change: c.1281G>A on transcript NM_012463.4 (MANE Select); coding-DNA position 1281, G replaced by A.
Protein change: p.Leu427=; no amino-acid change (leucine 427 retained).
Molecular consequence: synonymous variant.
Genome position (GRCh38, 1-based): chr12:123,744,292, G>A. VCF-style: chr12-123744292-G-A. GRCh37 (hg19) VCF-style: chr12-124228839-G-A.
Identifiers: ClinVar variation 3061618 (VCV003061618.2), dbSNP rs1284470006, ClinGen allele CA482270973.